The following is an entry in ClinVar:

NM_032043.3(BRIP1):c.380-16A>T

Gene: BRIP1 (BRCA1 interacting DNA helicase 1; minus strand). Cytogenetic location: 17q23.2.
Variant type: single nucleotide variant.
Coding change: c.380-16A>T on transcript NM_032043.3 (MANE Select); 16 bases into the intron before coding-DNA position 380, A replaced by T.
Molecular consequence: intron variant.
Genome position (GRCh38, 1-based): chr17:61,849,272, T>A on the plus strand (A>T on the coding strand, the complement: BRIP1 is on the minus strand). VCF-style: chr17-61849272-T-A. GRCh37 (hg19) VCF-style: chr17-59926633-T-A.
Identifiers: ClinVar variation 627787 (VCV000627787.6), dbSNP rs769150213, ClinGen allele CA8690941.
Genomic context (GRCh38, chr17:61,849,272, plus strand): 5'-TCTTAGCAGATAACTTTGCAGCCAGAGTGGTTTTTTCAGGGGAGTCTTATATAAGTAATT[T>A]AAAAAAAACAGCATAAATAACTTACAGGTAGGCAATTTTTCTAGAAGAAAACTGGAACCA-3'

ClinVar aggregate classification (germline): Likely benign. Review status: criteria provided, multiple submitters, no conflicts (2 of 4 stars). 3 submissions from 3 submitters: Likely benign (3). Last evaluated 2024-12-18.

Conditions:
Hereditary cancer-predisposing syndrome. Also called: Tumor predisposition; Neoplastic Syndromes, Hereditary; Hereditary Cancer Syndrome; Hereditary neoplastic syndrome. Identifiers: Orphanet 140162, MedGen C0027672, MeSH D009386, MONDO:0015356.
Familial cancer of breast. Also called: BREAST CANCER, FAMILIAL; Hereditary breast cancer; hereditary breast carcinoma. Identifiers: Orphanet 227535, MedGen C0346153, MONDO:0016419, OMIM 114480. Disease mechanism: loss of function.
Fanconi anemia complementation group J. Also called: BRIP1-Related Fanconi Anemia. Identifiers: Orphanet 84, MedGen C1836860, MONDO:0012187, OMIM 609054.

Allele frequency attached by ClinVar (database versions not stated): gnomAD exomes below 0.00001; ExAC 0.00001.
gnomAD v4.1: 3 of 1,602,206 alleles (0.00019%); highest among the groups gnomAD compares: South Asian, 0.0023%; no homozygotes.

Submissions (3):

Labcorp Genetics (formerly Invitae), Labcorp
Classification: Likely benign for Familial cancer of breast; Fanconi anemia complementation group J. Last evaluated: 2024-12-18. Review status: criteria provided, single submitter. Criteria: Invitae Variant Classification Sherloc (09022015). Collection method: clinical testing. Allele origin: germline.

Myriad Genetics, Inc.
Classification: Likely benign for Familial cancer of breast. Last evaluated: 2024-08-21. Review status: criteria provided, single submitter. Criteria: Myriad Autosomal Dominant, Autosomal Recessive and X-Linked Classification Criteria (2023). Collection method: clinical testing. Allele origin: unknown.
Comment: This variant is considered likely benign. This variant is intronic and is not expected to impact mRNA splicing.

Color Diagnostics, LLC DBA Color Health
Classification: Likely benign for Hereditary cancer-predisposing syndrome. Last evaluated: 2017-10-09. Review status: criteria provided, single submitter. Criteria: ACMG Guidelines, 2015. Collection method: clinical testing. Allele origin: germline.